The following is an entry in ClinVar:

ClinVar aggregate classification (germline): Uncertain significance (1 of 4 stars; one submission).

Submission:

Labcorp Genetics (formerly Invitae), Labcorp
Classification: Uncertain significance. Last evaluated: 2025-12-16. Review status: criteria provided, single submitter. Criteria: Invitae Variant Classification Sherloc (09022015). Collection method: clinical testing. Allele origin: germline.
Comment: This sequence change replaces threonine, which is neutral and polar, with isoleucine, which is neutral and non-polar, at codon 2007 of the CACNA1D protein (p.Thr2007Ile). This variant is not present in population databases (gnomAD no frequency). This variant has not been reported in the literature in individuals affected with CACNA1D-related conditions. ClinVar contains an entry for this variant (Variation ID: 3645957). An algorithm developed to predict the effect of missense changes on protein structure and function (PolyPhen-2) suggests that this variant is likely to be disruptive. In summary, the available evidence is currently insufficient to determine the role of this variant in disease. Therefore, it has been classified as a Variant of Uncertain Significance.

NM_001128840.3(CACNA1D):c.5960C>T (p.Thr1987Ile)

Gene: CACNA1D (calcium voltage-gated channel subunit alpha1 D; plus strand). Cytogenetic location: 3p21.1.
Variant type: single nucleotide variant.
Coding change: c.5960C>T on transcript NM_001128840.3 (MANE Select); coding-DNA position 5960, C replaced by T.
Protein change: p.Thr1987Ile; replaces threonine 1987 with isoleucine.
Molecular consequence: missense variant.
Genome position (GRCh38, 1-based): chr3:53,810,066, C>T. VCF-style: chr3-53810066-C-T. GRCh37 (hg19) VCF-style: chr3-53844093-C-T.
Other names: c.6020C>T, p.Thr2007Ile (NM_000720.4); c.5888C>T, p.Thr1963Ile (NM_001128839.3); short protein forms T1987I, T1963I, T2007I.
Identifiers: ClinVar variation 3645957 (VCV003645957.2).